The following is an entry in ClinVar:

ClinVar aggregate classification (germline): Uncertain significance (1 of 4 stars; one submission).

Conditions:
PEX6-related disorder. Also called: PEX6-related disorders; PEX6-related condition.

gnomAD v4.1: 1 of 1,614,028 alleles (0.000062%); highest among the groups gnomAD compares: Non-Finnish European, 0.000085%; no homozygotes.

Submission:

PreventionGenetics, part of Exact Sciences
Classification: Uncertain significance for PEX6-related condition. Last evaluated: 2024-12-27. Review status: criteria provided, single submitter. Criteria: ACMG Guidelines, 2015. Collection method: clinical testing. Allele origin: germline.
Comment: The PEX6 c.618+1G>C variant is predicted to disrupt the GT donor site and interfere with normal splicing. This change is called c.619G>C (p.Val207Leu) for the transcript of clinical significance (NM_000287.3). To our knowledge, this variant has not been reported in the literature or in a large population database (gnomAD), indicating this variant is rare. At this time, the clinical significance of this variant is uncertain due to the absence of conclusive functional and genetic evidence.

NM_000287.4(PEX6):c.619G>C (p.Val207Leu)

Gene: PEX6 (peroxisomal biogenesis factor 6; minus strand). Cytogenetic location: 6p21.1.
Variant type: single nucleotide variant.
Coding change: c.619G>C on transcript NM_000287.4 (MANE Select); coding-DNA position 619, G replaced by C.
Protein change: p.Val207Leu; replaces valine 207 with leucine.
Molecular consequence: missense variant. On other transcripts: non-coding transcript variant (1), splice donor variant (1).
Genome position (GRCh38, 1-based): chr6:42,978,532, C>G on the plus strand (G>C on the coding strand, the complement: PEX6 is on the minus strand). VCF-style: chr6-42978532-C-G. GRCh37 (hg19) VCF-style: chr6-42946270-C-G.
Other names: c.618+1G>C (NM_001316313.2); short protein forms V207L.
Identifiers: ClinVar variation 5002085 (VCV005002085.1).